The following is an entry in ClinVar:

NM_020408.6(LYRM4):c.8C>T (p.Ala3Val)

Genes: FARS2 (phenylalanyl-tRNA synthetase 2, mitochondrial; plus strand), LYRM4 (LYR motif containing 4; minus strand), LOC129995672 (ATAC-STARR-seq lymphoblastoid silent region 16873; plus strand). Cytogenetic location: 6p25.1.
Variant type: single nucleotide variant.
Coding change: c.8C>T on transcript NM_020408.6 (MANE Select); coding-DNA position 8, C replaced by T.
Protein change: p.Ala3Val; replaces alanine 3 with valine.
Molecular consequence: missense variant. On other transcripts: non-coding transcript variant (3).
Genome position (GRCh38, 1-based): chr6:5,260,726, G>A on the plus strand (C>T on the coding strand, the complement: LYRM4 is on the minus strand). VCF-style: chr6-5260726-G-A. GRCh37 (hg19) VCF-style: chr6-5260959-G-A.
Other names: c.8C>T, p.Ala3Val (NM_001164840.3, NM_001164841.3, NM_001318782.1 and 1 more transcripts); short protein forms A3V.
Identifiers: ClinVar variation 1499608 (VCV001499608.6), dbSNP rs371803966, ClinGen allele CA3623556.
Genomic context (GRCh38, chr6:5,260,726, plus strand): 5'-AAACGCTTGCTCTCTCTCAGCATCGCCCGGTACAGAGATAACACTTGTGCGCGACTGGAG[G>A]CTGCCATTTTGGAAAGAAAAAAAAATAAACGGGTCCTCTTCGCCGAGGTCCCAAGTACGA-3'
Protein context (NP_065141.3, residues 1-13): MA[Ala3Val]SSRAQVLSLY

ClinVar aggregate classification (germline): Uncertain significance (1 of 4 stars; one submission).

Allele frequency attached by ClinVar (database versions not stated): gnomAD exomes 0.00001; TOPMed 0.00003; gnomAD 0.00004; ExAC 0.00005; ESP Exome Variant Server 0.00008.
gnomAD v4.1: 27 of 1,549,940 alleles (0.0017%); highest among the groups gnomAD compares: Middle Eastern, 0.05%; no homozygotes.

Submission:

Labcorp Genetics (formerly Invitae), Labcorp
Classification: Uncertain significance. Last evaluated: 2022-06-27. Review status: criteria provided, single submitter. Criteria: Invitae Variant Classification Sherloc (09022015). Collection method: clinical testing. Allele origin: germline.
Comment: This variant has not been reported in the literature in individuals affected with LYRM4-related conditions. In summary, the available evidence is currently insufficient to determine the role of this variant in disease. Therefore, it has been classified as a Variant of Uncertain Significance. Algorithms developed to predict the effect of missense changes on protein structure and function (SIFT, PolyPhen-2, Align-GVGD) all suggest that this variant is likely to be tolerated. The frequency data for this variant in the population databases is considered unreliable, as metrics indicate poor data quality at this position in the gnomAD database. This sequence change replaces alanine, which is neutral and non-polar, with valine, which is neutral and non-polar, at codon 3 of the LYRM4 protein (p.Ala3Val).